The following is an entry in ClinVar:

ClinVar aggregate classification (germline): Uncertain significance (1 of 4 stars; one submission).

Conditions:
Inborn genetic diseases. Identifiers: MedGen C0950123, MeSH D030342.

Submission:

Ambry Genetics
Classification: Uncertain significance for Inborn genetic diseases. Last evaluated: 2025-01-09. Review status: criteria provided, single submitter. Criteria: Ambry Variant Classification Scheme 2023. Collection method: clinical testing. Allele origin: germline.
Comment: The c.803A>G (p.E268G) alteration is located in exon 5 (coding exon 5) of the MED13 gene. This alteration results from an A to G substitution at nucleotide position 803, causing the glutamic acid (E) at amino acid position 268 to be replaced by a glycine (G). This variant was not reported in population-based cohorts in the Genome Aggregation Database (gnomAD). This amino acid position is highly conserved in available vertebrate species. This alteration is predicted to be deleterious by in silico analysis. Based on insufficient or conflicting evidence, the clinical significance of this alteration remains unclear.

NM_005121.3(MED13):c.803A>G (p.Glu268Gly)

Gene: MED13 (mediator complex subunit 13; minus strand). Cytogenetic location: 17q23.2.
Variant type: single nucleotide variant.
Coding change: c.803A>G on transcript NM_005121.3 (MANE Select); coding-DNA position 803, A replaced by G.
Protein change: p.Glu268Gly; replaces glutamic acid 268 with glycine.
Molecular consequence: missense variant.
Genome position (GRCh38, 1-based): chr17:62,033,798, T>C on the plus strand (A>G on the coding strand, the complement: MED13 is on the minus strand). VCF-style: chr17-62033798-T-C. GRCh37 (hg19) VCF-style: chr17-60111159-T-C.
Other names: short protein forms E268G.
Identifiers: ClinVar variation 3394559 (VCV003394559.2).